The following is an entry in ClinVar:

ClinVar aggregate classification (germline): Uncertain significance (1 of 4 stars; one submission).

Submission:

Labcorp Genetics (formerly Invitae), Labcorp
Classification: Uncertain significance. Last evaluated: 2022-04-23. Review status: criteria provided, single submitter. Criteria: Invitae Variant Classification Sherloc (09022015). Collection method: clinical testing. Allele origin: germline.
Comment: This sequence change replaces valine, which is neutral and non-polar, with alanine, which is neutral and non-polar, at codon 2713 of the FAT2 protein (p.Val2713Ala). In summary, the available evidence is currently insufficient to determine the role of this variant in disease. Therefore, it has been classified as a Variant of Uncertain Significance. Algorithms developed to predict the effect of missense changes on protein structure and function (SIFT, PolyPhen-2, Align-GVGD) all suggest that this variant is likely to be disruptive. This variant has not been reported in the literature in individuals affected with FAT2-related conditions. This variant is not present in population databases (gnomAD no frequency).

NM_001447.3(FAT2):c.8138T>C (p.Val2713Ala)

Genes: FAT2 (FAT atypical cadherin 2; minus strand), SLC36A1 (solute carrier family 36 member 1; plus strand). Cytogenetic location: 5q33.1.
Variant type: single nucleotide variant.
Coding change: c.8138T>C on transcript NM_001447.3 (MANE Select); coding-DNA position 8138, T replaced by C.
Protein change: p.Val2713Ala; replaces valine 2713 with alanine.
Molecular consequence: missense variant.
Genome position (GRCh38, 1-based): chr5:151,542,989, A>G on the plus strand (T>C on the coding strand, the complement: FAT2 is on the minus strand). VCF-style: chr5-151542989-A-G. GRCh37 (hg19) VCF-style: chr5-150922550-A-G.
Other names: short protein forms V2713A.
Identifiers: ClinVar variation 2129498 (VCV002129498.4), dbSNP rs2479842695, ClinGen allele CA361832680.
Genomic context (GRCh38, chr5:151,542,989, plus strand): 5'-TCAGGTGTAGTGCCCCGCACTAGACTGTAGATGACTGGATCTTGAGCTGCCACTGCTTTA[A>G]CAATCCCAATTTCAGACCCCTCTGGAAGGTCTTCAGGTGCAGAGAAAGTATACAAAGGTT-3'
Protein context (NP_001438.1, residues 2703-2723): DLPEGSEIGI[Val2713Ala]KAVAAQDPVI